The following is an entry in ClinVar:

NM_002691.4(POLD1):c.250C>T (p.Pro84Ser)

Gene: POLD1 (DNA polymerase delta 1, catalytic subunit; plus strand). Cytogenetic location: 19q13.33.
Variant type: single nucleotide variant.
Coding change: c.250C>T on transcript NM_002691.4 (MANE Select); coding-DNA position 250, C replaced by T.
Protein change: p.Pro84Ser; replaces proline 84 with serine.
Molecular consequence: missense variant. On other transcripts: non-coding transcript variant (1).
Genome position (GRCh38, 1-based): chr19:50,399,418, C>T. VCF-style: chr19-50399418-C-T. GRCh37 (hg19) VCF-style: chr19-50902675-C-T.
Other names: c.250C>T (NM_002691.3, NM_002691.2); c.250C>T, p.Pro84Ser (NM_001256849.1, NM_001308632.1); short protein forms P84S.
Identifiers: ClinVar variation 3684528 (VCV003684528.4).

ClinVar aggregate classification (germline): Conflicting classifications of pathogenicity. Review status: criteria provided, conflicting classifications (1 of 4 stars). 3 submissions from 3 submitters: Uncertain significance (2); Likely benign (1). Last evaluated 2025-06-06.

Conditions:
POLD1-related polyposis and colorectal cancer syndrome (CRCS10). Also called: Colorectal cancer 10; COLORECTAL CANCER, SUSCEPTIBILITY TO, ON CHROMOSOME 19q; Colorectal cancer, susceptibility to, 10. Identifiers: Orphanet 220460, MedGen C2675481, MONDO:0012953, OMIM 612591.
Hereditary cancer-predisposing syndrome. Also called: Neoplastic Syndromes, Hereditary; Tumor predisposition; Hereditary Cancer Syndrome; Hereditary neoplastic syndrome. Identifiers: Orphanet 140162, MedGen C0027672, MeSH D009386, MONDO:0015356.

gnomAD v4.1: 1 of 1,614,208 alleles (0.000062%); highest among the groups gnomAD compares: Admixed American, 0.0017%; no homozygotes.

Submissions (3):

Ambry Genetics
Classification: Likely benign for Hereditary cancer-predisposing syndrome. Last evaluated: 2025-06-06. Review status: criteria provided, single submitter. Criteria: Ambry Variant Classification Scheme 2023. Collection method: clinical testing. Allele origin: germline.

GeneDx
Classification: Uncertain significance. Last evaluated: 2025-02-20. Review status: criteria provided, single submitter. Criteria: GeneDx Variant Classification Process June 2021. Collection method: clinical testing. Allele origin: germline. Affected: yes.
Comment: Not observed at significant frequency in large population cohorts (gnomAD); In silico analysis indicates that this missense variant does not alter protein structure/function; Has not been previously published as pathogenic or benign to our knowledge

Labcorp Genetics (formerly Invitae), Labcorp
Classification: Uncertain significance for POLD1-related polyposis and colorectal cancer syndrome. Last evaluated: 2024-08-05. Review status: criteria provided, single submitter. Criteria: Invitae Variant Classification Sherloc (09022015). Collection method: clinical testing. Allele origin: germline.
Comment: This sequence change replaces proline, which is neutral and non-polar, with serine, which is neutral and polar, at codon 84 of the POLD1 protein (p.Pro84Ser). This variant is present in population databases (no rsID available, gnomAD 0.003%). This variant has not been reported in the literature in individuals affected with POLD1-related conditions. Advanced modeling of protein sequence and biophysical properties (such as structural, functional, and spatial information, amino acid conservation, physicochemical variation, residue mobility, and thermodynamic stability) performed at Invitae indicates that this missense variant is not expected to disrupt POLD1 protein function with a negative predictive value of 80%. In summary, the available evidence is currently insufficient to determine the role of this variant in disease. Therefore, it has been classified as a Variant of Uncertain Significance.